The following is an entry in ClinVar:

NM_020549.5(CHAT):c.869T>C (p.Leu290Pro)

Gene: CHAT (choline O-acetyltransferase; plus strand). Cytogenetic location: 10q11.23.
Variant type: single nucleotide variant.
Coding change: c.869T>C on transcript NM_020549.5 (MANE Select); coding-DNA position 869, T replaced by C.
Protein change: p.Leu290Pro; replaces leucine 290 with proline.
Molecular consequence: missense variant.
Genome position (GRCh38, 1-based): chr10:49,625,589, T>C. VCF-style: chr10-49625589-T-C. GRCh37 (hg19) VCF-style: chr10-50833635-T-C.
Other names: c.515T>C, p.Leu172Pro (NM_001142929.2, NM_001142934.2, NM_020984.4 and 2 more transcripts); c.623T>C, p.Leu208Pro (NM_001142933.2); short protein forms L208P, L172P, L290P.
Identifiers: ClinVar variation 2042581 (VCV002042581.1), dbSNP rs1838890663, ClinGen allele CA376730174.

ClinVar aggregate classification (germline): Uncertain significance (1 of 4 stars; one submission).

Conditions:
Familial infantile myasthenia (CMS6). Also called: Congenital myasthenic syndrome type 6; MYASTHENIC SYNDROME, PRESYNAPTIC, CONGENITAL, ASSOCIATED WITH EPISODIC APNEA; MYASTHENIC SYNDROME, CONGENITAL, 6, PRESYNAPTIC. Identifiers: Orphanet 590, MedGen C0393929, MONDO:0009689, OMIM 254210.

Allele frequency attached by ClinVar (database versions not stated): TOPMed below 0.00001; gnomAD 0.00001; gnomAD exomes 0.00001.

Submission:

Labcorp Genetics (formerly Invitae), Labcorp
Classification: Uncertain significance for Familial infantile myasthenia. Last evaluated: 2022-05-16. Review status: criteria provided, single submitter. Criteria: Invitae Variant Classification Sherloc (09022015). Collection method: clinical testing. Allele origin: germline.
Comment: This sequence change replaces leucine, which is neutral and non-polar, with proline, which is neutral and non-polar, at codon 290 of the CHAT protein (p.Leu290Pro). This variant is not present in population databases (gnomAD no frequency). This variant has not been reported in the literature in individuals affected with CHAT-related conditions. Algorithms developed to predict the effect of missense changes on protein structure and function are either unavailable or do not agree on the potential impact of this missense change (SIFT: "Deleterious"; PolyPhen-2: "Probably Damaging"; Align-GVGD: "Class C0"). In summary, the available evidence is currently insufficient to determine the role of this variant in disease. Therefore, it has been classified as a Variant of Uncertain Significance.